The following is an entry in ClinVar:

ClinVar aggregate classification (germline): Uncertain significance. Review status: criteria provided, multiple submitters, no conflicts (2 of 4 stars). 4 submissions from 4 submitters: Uncertain significance (2). 2 of the submissions do not count toward it. Last evaluated 2026-04-14.

Conditions:
ABCB11-related disorder. Also called: ABCB11-related condition.
Familial intrahepatic cholestasis. Identifiers: Orphanet 284385, MedGen CN296401, MONDO:0017290.

Allele frequency attached by ClinVar (database versions not stated): 1000 Genomes Project 0.00040; gnomAD 0.00003; ExAC 0.00004; gnomAD exomes 0.00004; TOPMed 0.00006; 1000 Genomes Project 30x 0.00031.
gnomAD v4.1: 43 of 1,609,574 alleles (0.0027%); highest among the groups gnomAD compares: African/African-American, 0.024%; no homozygotes.

Submissions (4):

Genomenon, Inc
Classification: Uncertain significance for Familial intrahepatic cholestasis. Last evaluated: 2026-04-14. Review status: criteria provided, single submitter. Criteria: Genomenon Sequence Variant Interpretation Standards - Updated. Collection method: curation. Allele origin: germline. Affected: no.
Comment: ABCB11 p.Val1212Ile (c.3634G>A) is a missense variant that changes the amino acid at residue 1212 from Valine to Isoleucine. This variant has been reported in the published literature (PMID:37208429). It is absent or not present at a significant frequency in gnomAD. In conclusion, we classify ABCB11 p.Val1212Ile (c.3634G>A) as a variant of uncertain significance.

Eurofins Ntd Llc (ga)
Classification: Uncertain significance. Last evaluated: 2018-03-21. Review status: criteria provided, single submitter. Criteria: EGL ClinVar v180209 classification definitions. Collection method: clinical testing. Allele origin: germline. Observed: 1 variant allele, 1 heterozygote.

PreventionGenetics, part of Exact Sciences
Classification: Uncertain significance for ABCB11-related condition. Last evaluated: 2024-03-28. Review status: no assertion criteria provided. Collection method: clinical testing. Allele origin: germline. Not counted in ClinVar's aggregate classification.
Comment: The ABCB11 c.3634G>A variant is predicted to result in the amino acid substitution p.Val1212Ile. To our knowledge, this variant has not been reported in the literature. This variant is reported in 0.021% of alleles in individuals of African descent in gnomAD. At this time, the clinical significance of this variant is uncertain due to the absence of conclusive functional and genetic evidence.

Department of Pathology and Laboratory Medicine, Sinai Health System
Classification: Uncertain significance. Review status: no assertion criteria provided. Collection method: clinical testing. Allele origin: unknown. Affected: yes. Study: The Canadian Open Genetics Repository (COGR). Not counted in ClinVar's aggregate classification.
Comment: The ABCB11 p.V1212I variant was not identified in the literature but was identified in dbSNP (ID: rs546906441) and ClinVar (classified as uncertain significance by EGL Genetic Diagnostics). The variant was identified in control databases in 10 of 277790 chromosomes at a frequency of 0.00003600 (Genome Aggregation Database March 6, 2019, v2.1.1). The p.V1212 residue is conserved in mammals and more distantly related organisms, and computational analyses (MUT Assesor, PolyPhen- 2, SIFT, MutationTaster, Revel, FATHMM, MetaLR, DANN) suggest that the variant may impact the protein; however this information is not predictive enough to assume pathogenicity. The variant occurs outside of the splicing consensus sequence and in silico or computational prediction software programs (Splice AI exome) do not predict a deleterious effect on splicing. In summary, based on the above information the clinical significance of this variant cannot be determined with certainty at this time. This variant is classified as a variant of uncertain significance.

Literature cited by the submitters: PubMed 37208429 (cited by Genomenon, Inc).

NM_003742.4(ABCB11):c.3634G>A (p.Val1212Ile)

Gene: ABCB11 (ATP binding cassette subfamily B member 11; minus strand). Cytogenetic location: 2q31.1.
Variant type: single nucleotide variant.
Coding change: c.3634G>A on transcript NM_003742.4 (MANE Select); coding-DNA position 3634, G replaced by A.
Protein change: p.Val1212Ile; replaces valine 1212 with isoleucine.
Molecular consequence: missense variant.
Genome position (GRCh38, 1-based): chr2:168,924,788, C>T on the plus strand (G>A on the coding strand, the complement: ABCB11 is on the minus strand). VCF-style: chr2-168924788-C-T. GRCh37 (hg19) VCF-style: chr2-169781298-C-T.
Other names: c.3634G>A (NM_003742.2); c.3634G>A, p.Val1212Ile (LRG_1199t1); short protein forms V1212I.
Identifiers: ClinVar variation 596600 (VCV000596600.8), dbSNP rs546906441, ClinGen allele CA1950971.
Genomic context (GRCh38, chr2:168,924,788, plus strand): 5'-CCCGAGCAATAGCAATGCGTTGTTTCTCCCCTCTAGAGAGTTGAGACCCCTGGGACCCAA[C>T]GTTAGTTTCATATTTCTGAAAAAAAGTATGATAAGTTTGAGAAATAGAAACAGTTATTGC-3'
Protein context (NP_003733.2, residues 1202-1222): MSLPEKYETN[Val1212Ile]GSQGSQLSRG